The following is an entry in ClinVar:

NM_002206.3(ITGA7):c.1759C>T (p.Arg587Trp)

Gene: ITGA7 (integrin subunit alpha 7; minus strand). Cytogenetic location: 12q13.2.
Variant type: single nucleotide variant.
Coding change: c.1759C>T on transcript NM_002206.3 (MANE Select); coding-DNA position 1759, C replaced by T.
Protein change: p.Arg587Trp; replaces arginine 587 with tryptophan.
Molecular consequence: missense variant.
Genome position (GRCh38, 1-based): chr12:55,696,411, G>A on the plus strand (C>T on the coding strand, the complement: ITGA7 is on the minus strand). VCF-style: chr12-55696411-G-A. GRCh37 (hg19) VCF-style: chr12-56090195-G-A.
Other names: c.1771C>T, p.Arg591Trp (NM_001144996.2); c.1480C>T, p.Arg494Trp (NM_001144997.2); c.1432C>T, p.Arg478Trp (NM_001367993.1); c.415C>T, p.Arg139Trp (NM_001367994.1); c.1741C>T, p.Arg581Trp (NM_001374465.1); c.1891C>T, p.Arg631Trp (NM_001410977.1); c.1753C>T, p.Arg585Trp (NM_001414029.1); c.1684C>T, p.Arg562Trp (NM_001414030.1); and 6 more; short protein forms R139W, R587W, R581W, R591W, R478W, R494W, R631W, R562W.
Identifiers: ClinVar variation 1472027 (VCV001472027.5), dbSNP rs139024853, ClinGen allele CA237570901.
Genomic context (GRCh38, chr12:55,696,411, plus strand): 5'-GAGCCTGTCGCCGGAGCCGAGGGGTCTGGAGACTGTAGGACAAGGTCACTACAATGGCCC[G>A]AAGCTTGTCTTTGACATTTTCCTAGGAAGAGGAAGGTCTATTCCTCACTGGAACAATCCC-3'
Protein context (NP_002197.2, residues 577-597): QLQENVKDKL[Arg587Trp]AIVVTLSYSL

ClinVar aggregate classification (germline): Uncertain significance. Review status: criteria provided, multiple submitters, no conflicts (2 of 4 stars). 2 submissions from 2 submitters: Uncertain significance (2). Last evaluated 2025-10-07.

Conditions:
Congenital muscular dystrophy due to integrin alpha-7 deficiency. Also called: MYOPATHY, CONGENITAL, DUE TO INTEGRIN ALPHA-7 DEFICIENCY; Congenital muscular dystrophy with integrin alpha-7 deficiency; Muscular dystrophy, congenital, due to ITGA7 deficiency. Identifiers: Orphanet 34520, MedGen C2750786, MONDO:0013177, OMIM 613204.

Allele frequency attached by ClinVar (database versions not stated): gnomAD exomes below 0.00001 and 0.00001; gnomAD 0.00001; TOPMed 0.00003; ESP Exome Variant Server 0.00008.
gnomAD v4.1: 18 of 1,601,090 alleles (0.0011%); highest among the groups gnomAD compares: African/African-American, 0.0027%; no homozygotes.

Submissions (2):

Ambry Genetics
Classification: Uncertain significance. Last evaluated: 2025-10-07. Review status: criteria provided, single submitter. Criteria: Ambry Variant Classification Scheme 2023. Collection method: clinical testing. Allele origin: germline.

Labcorp Genetics (formerly Invitae), Labcorp
Classification: Uncertain significance for Congenital muscular dystrophy due to integrin alpha-7 deficiency. Last evaluated: 2022-02-06. Review status: criteria provided, single submitter. Criteria: Invitae Variant Classification Sherloc (09022015). Collection method: clinical testing. Allele origin: germline.
Comment: This sequence change replaces arginine, which is basic and polar, with tryptophan, which is neutral and slightly polar, at codon 587 of the ITGA7 protein (p.Arg587Trp). The frequency data for this variant in the population databases is considered unreliable, as metrics indicate poor data quality at this position in the gnomAD database. This variant has not been reported in the literature in individuals affected with ITGA7-related conditions. Algorithms developed to predict the effect of missense changes on protein structure and function are either unavailable or do not agree on the potential impact of this missense change (SIFT: "Deleterious"; PolyPhen-2: "Probably Damaging"; Align-GVGD: "Class C0"). In summary, the available evidence is currently insufficient to determine the role of this variant in disease. Therefore, it has been classified as a Variant of Uncertain Significance.